The following is an entry in ClinVar:

ClinVar aggregate classification (germline): Uncertain significance (1 of 4 stars; one submission).

Submission:

GeneDx
Classification: Uncertain significance. Last evaluated: 2025-03-20. Review status: criteria provided, single submitter. Criteria: GeneDx Variant Classification Process June 2021. Collection method: clinical testing. Allele origin: germline. Affected: yes.
Comment: Not observed at significant frequency in large population cohorts (gnomAD); In silico analysis supports that this missense variant has a deleterious effect on protein structure/function; Has not been previously published as pathogenic or benign to our knowledge

NM_001658.4(ARF1):c.158T>G (p.Val53Gly)

Genes: ARF1 (ARF GTPase 1; plus strand), LOC126806039 (CDK7 strongly-dependent group 2 enhancer GRCh37_chr1:228284937-228286136; plus strand). Cytogenetic location: 1q42.13.
Variant type: single nucleotide variant.
Coding change: c.158T>G on transcript NM_001658.4 (MANE Select); coding-DNA position 158, T replaced by G.
Protein change: p.Val53Gly; replaces valine 53 with glycine.
Molecular consequence: missense variant.
Genome position (GRCh38, 1-based): chr1:228,097,351, T>G. VCF-style: chr1-228097351-T-G. GRCh37 (hg19) VCF-style: chr1-228285052-T-G.
Other names: c.158T>G, p.Val53Gly (NM_001024226.2, NM_001024227.1, NM_001024228.2); short protein forms V53G.
Identifiers: ClinVar variation 4087875 (VCV004087875.1).